The following is an entry in ClinVar:

NM_003718.5(CDK13):c.848C>T (p.Thr283Ile)

Gene: CDK13 (cyclin dependent kinase 13; plus strand). Cytogenetic location: 7p14.1.
Variant type: single nucleotide variant.
Coding change: c.848C>T on transcript NM_003718.5 (MANE Select); coding-DNA position 848, C replaced by T.
Protein change: p.Thr283Ile; replaces threonine 283 with isoleucine.
Molecular consequence: missense variant.
Genome position (GRCh38, 1-based): chr7:39,951,489, C>T. VCF-style: chr7-39951489-C-T. GRCh37 (hg19) VCF-style: chr7-39991088-C-T.
Other names: c.848C>T, p.Thr283Ile (NM_031267.4); short protein forms T283I.
Identifiers: ClinVar variation 3234749 (VCV003234749.20), dbSNP rs768492205, ClinGen allele CA367310618.
Genomic context (GRCh38, chr7:39,951,489, plus strand): 5'-CCACATCCAGCAGCAGTAGCAGCCGCAAGGACCGGGACTCGAAGGCCCACCGCAGCCGGA[C>T]TAAGTCGTCCAAGGAGCCGCCTTCGGCCTACAAGGAACCGCCCAAGGCCTACCGGGAGGA-3'
Protein context (NP_003709.3, residues 273-293): DRDSKAHRSR[Thr283Ile]KSSKEPPSAY

ClinVar aggregate classification (germline): Uncertain significance (1 of 4 stars; one submission).

Submission:

CeGaT Center for Human Genetics Tuebingen
Classification: Uncertain significance. Last evaluated: 2024-04-01. Review status: criteria provided, single submitter. Criteria: CeGaT Center For Human Genetics Tuebingen Variant Classification Criteria Version 2. Collection method: clinical testing. Allele origin: germline. Affected: yes. Observed: 1 variant allele.
Comment: CDK13: PM2